The following is an entry in ClinVar:

Conditions:
Breast-ovarian cancer, familial, susceptibility to, 1 (BROVCA1). Also called: BRCA1 Hereditary Breast and Ovarian Cancer; OVARIAN CANCER, SUSCEPTIBILITY TO. Identifiers: Orphanet 145, MedGen C2676676, MONDO:0011450, OMIM 604370. Disease mechanism: loss of function.

Submission:

Brotman Baty Institute, University of Washington
No classification provided (evidence only). Condition: Breast-ovarian cancer, familial 1. Review status: no classification provided. Collection method: in vitro. Allele origin: not applicable. Functional consequence: functionally_normal.
ClinVar note: "not provided" was previously submitted as the classification for the variant. However, the classification appeared to be based only on an observation of functional data so it was converted to no classification on 2025-07-30.

NM_007294.4(BRCA1):c.5230A>G (p.Arg1744Gly)

Gene: BRCA1 (BRCA1 DNA repair associated; minus strand). Cytogenetic location: 17q21.31.
Variant type: single nucleotide variant.
Coding change: c.5230A>G on transcript NM_007294.4 (MANE Select); coding-DNA position 5230, A replaced by G.
Protein change: p.Arg1744Gly; replaces arginine 1744 with glycine.
Molecular consequence: missense variant. On other transcripts: non-coding transcript variant (1).
Genome position (GRCh38, 1-based): chr17:43,057,099, T>C on the plus strand (A>G on the coding strand, the complement: BRCA1 is on the minus strand). VCF-style: chr17-43057099-T-C. GRCh37 (hg19) VCF-style: chr17-41209116-T-C.
Other names: c.5017A>G, p.Arg1673Gly (NM_001407571.1, NM_001407900.1, NM_001407902.1 and 12 more transcripts); c.5296A>G, p.Arg1766Gly (NM_001407581.1, NM_001407582.1); c.5293A>G, p.Arg1765Gly (NM_001407583.1, NM_001407585.1, NM_001407587.1 and 1 more transcripts); c.5227A>G, p.Arg1743Gly (NM_001407610.1, NM_001407611.1, NM_001407612.1 and 17 more transcripts); c.5224A>G, p.Arg1742Gly (NM_001407629.1, NM_001407630.1, NM_001407631.1 and 14 more transcripts); c.5170A>G, p.Arg1724Gly (NM_001407649.1); c.5152A>G, p.Arg1718Gly (NM_001407652.1, NM_001407653.1, NM_001407654.1 and 1 more transcripts); c.5149A>G, p.Arg1717Gly (NM_001407656.1, NM_001407657.1, NM_001407658.1); and 72 more; short protein forms R1697G, R1744G, R1765G, R640G, R1447G, R1590G, R1631G, R1655G.
Identifiers: ClinVar variation 867868 (VCV000867868.3), dbSNP rs2051515528, ClinGen allele CA10591084.
Genomic context (GRCh38, chr17:43,057,099, plus strand): 5'-GAGGGAGCTTTACCTTTCTGTCCTGGGATTCTCTTGCTCGCTTTGGACCTTGGTGGTTTC[T>C]TCCATTGACCACATCTCCTCTGACTTCAAAATCATGCTGAAAGAAACCAAACACAACCCA-3'
Protein context (NP_009225.1, residues 1734-1754): FEVRGDVVNG[Arg1744Gly]NHQGPKRARE